The following is an entry in ClinVar:

ClinVar aggregate classification (germline): Pathogenic/Likely pathogenic. Review status: criteria provided, multiple submitters, no conflicts (2 of 4 stars). 2 submissions from 2 submitters: Pathogenic (1); Likely pathogenic (1). Last evaluated 2024-03-13.

Conditions:
Stickler syndrome type 1 (STL1). Also called: ARTHROOPHTHALMOPATHY, HEREDITARY PROGRESSIVE; STICKLER SYNDROME, MEMBRANOUS VITREOUS TYPE; STICKLER SYNDROME, VITREOUS TYPE 1; COL2A1-Related Stickler Syndrome. Identifiers: Orphanet 828, Orphanet 90653, MedGen C2020284, MONDO:0007160, OMIM 108300.

Submissions (2):

Labcorp Genetics (formerly Invitae), Labcorp
Classification: Pathogenic. Last evaluated: 2024-03-13. Review status: criteria provided, single submitter. Criteria: Invitae Variant Classification Sherloc (09022015). Collection method: clinical testing. Allele origin: germline.
Comment: This sequence change replaces glycine, which is neutral and non-polar, with glutamic acid, which is acidic and polar, at codon 495 of the COL2A1 protein (p.Gly495Glu). This variant is not present in population databases (gnomAD no frequency). This missense change has been observed in individuals with clinical features of autosomal dominant spondyloepiphyseal dysplasia (PMID: 26626311). ClinVar contains an entry for this variant (Variation ID: 1685276). Advanced modeling of protein sequence and biophysical properties (such as structural, functional, and spatial information, amino acid conservation, physicochemical variation, residue mobility, and thermodynamic stability) performed at Invitae indicates that this missense variant is expected to disrupt COL2A1 protein function with a positive predictive value of 95%. This variant disrupts the triple helix domain of COL2A1. Glycine residues within the Gly-Xaa-Yaa repeats of the triple helix domain are required for the structure and stability of fibrillar collagens (PMID: 7695699, 8218237, 19344236). In COL2A1, variants affecting these glycine residues are significantly enriched in individuals with disease (PMID: 9016532, 17078022) compared to the general population (ExAC). For these reasons, this variant has been classified as Pathogenic.

Mendelics
Classification: Likely pathogenic for Stickler syndrome type 1. Last evaluated: 2022-05-04. Review status: criteria provided, single submitter. Criteria: Mendelics Assertion Criteria 2019. Collection method: clinical testing. Allele origin: germline.

Literature cited by the submitters: PubMed 26626311 (cited by Labcorp Genetics (formerly Invitae), Labcorp); PubMed 7695699 (cited by Labcorp Genetics (formerly Invitae), Labcorp); PubMed 8218237 (cited by Labcorp Genetics (formerly Invitae), Labcorp); PubMed 19344236 (cited by Labcorp Genetics (formerly Invitae), Labcorp); PubMed 9016532 (cited by Labcorp Genetics (formerly Invitae), Labcorp); PubMed 17078022 (cited by Labcorp Genetics (formerly Invitae), Labcorp).

NM_001844.5(COL2A1):c.1484G>A (p.Gly495Glu)

Gene: COL2A1 (collagen type II alpha 1 chain; minus strand). Cytogenetic location: 12q13.11.
Variant type: single nucleotide variant.
Coding change: c.1484G>A on transcript NM_001844.5 (MANE Select); coding-DNA position 1484, G replaced by A.
Protein change: p.Gly495Glu; replaces glycine 495 with glutamic acid.
Molecular consequence: missense variant.
Genome position (GRCh38, 1-based): chr12:47,986,379, C>T on the plus strand (G>A on the coding strand, the complement: COL2A1 is on the minus strand). VCF-style: chr12-47986379-C-T. GRCh37 (hg19) VCF-style: chr12-48380162-C-T.
Other names: c.1277G>A, p.Gly426Glu (NM_033150.3); short protein forms G426E, G495E.
Identifiers: ClinVar variation 1685276 (VCV001685276.3), dbSNP rs2136571080, ClinGen allele CA384552620.